The following is an entry in ClinVar:

ClinVar aggregate classification (germline): Pathogenic (1 of 4 stars; one submission).

Conditions:
ZNRF3-related disorder.

Submission:

Institute of Medical Genetics, University of Zurich
Classification: Pathogenic for ZNRF3-related disorder. Last evaluated: 2024-05-29. Review status: criteria provided, single submitter. Criteria: ACMG Guidelines, 2015. Collection method: research. Allele origin: germline. Affected: yes.
Comment: ACMG criteria applied: PS3 (Well-established in vitro or in vivo functional studies supportive of a damaging effect on the gene or gene product), PM1 (Located in a mutational hot spot and/or critical and well-established functional domain), PM6 (assumed de novo), PM2 (absent from controls), PP3 (in silico programs predict a deleterious effect)

NM_001206998.2(ZNRF3):c.536C>T (p.Pro179Leu)

Gene: ZNRF3 (zinc and ring finger 3; plus strand). Cytogenetic location: 22q12.1.
Variant type: single nucleotide variant.
Coding change: c.536C>T on transcript NM_001206998.2 (MANE Select); coding-DNA position 536, C replaced by T.
Protein change: p.Pro179Leu; replaces proline 179 with leucine.
Molecular consequence: missense variant.
Genome position (GRCh38, 1-based): chr22:29,043,333, C>T. VCF-style: chr22-29043333-C-T. GRCh37 (hg19) VCF-style: chr22-29439321-C-T.
Other names: c.236C>T, p.Pro79Leu (NM_032173.4); short protein forms P179L, P79L.
Identifiers: ClinVar variation 3238960 (VCV003238960.1), dbSNP rs2517585923.